The following is an entry in ClinVar:

NC_000009.11:g.(?_79814851)_(79843190_?)dup

Gene: VPS13A (vacuolar protein sorting 13 homolog A; plus strand). Cytogenetic location: 9q21.2.
Variant type: Duplication.
Identifiers: ClinVar variation 1065983 (VCV001065983.5).

ClinVar aggregate classification (germline): Likely pathogenic (1 of 4 stars; one submission).

Submission:

Labcorp Genetics (formerly Invitae), Labcorp
Classification: Likely pathogenic. Last evaluated: 2021-12-01. Review status: criteria provided, single submitter. Criteria: Invitae Variant Classification Sherloc (09022015). Collection method: clinical testing. Allele origin: germline.
Comment: In summary, the currently available evidence indicates that the variant is pathogenic, but additional data are needed to prove that conclusively. Therefore, this variant has been classified as Likely Pathogenic. This variant has not been reported in the literature in individuals affected with VPS13A-related conditions. This variant results in a copy number gain of the genomic region encompassing exon(s) 2-17 of the VPS13A gene. While the exact position of this variant cannot be determined from the data, sub-genic copy number gains are generally in tandem (PMID: 25640679). This variant is predicted to be out-of-frame, and may result in an absent or disrupted protein product. Loss-of-function variants in VPS13A are known to be pathogenic (PMID: 12404112, 21598378).

Literature cited by the submitters: PubMed 25640679; PubMed 12404112; PubMed 21598378.